The following is an entry in ClinVar:

ClinVar aggregate classification (germline): Conflicting classifications of pathogenicity. Review status: criteria provided, conflicting classifications (1 of 4 stars). 10 submissions from 10 submitters: Uncertain significance (8); Likely benign (1). 1 of the submissions does not count toward it. Last evaluated 2025-12-24.

Conditions:
Hereditary cancer-predisposing syndrome. Also called: Neoplastic Syndromes, Hereditary; Tumor predisposition; Hereditary neoplastic syndrome; Hereditary Cancer Syndrome. Identifiers: Orphanet 140162, MedGen C0027672, MeSH D009386, MONDO:0015356.
Microcephaly, normal intelligence and immunodeficiency (NBS). Also called: Ataxia telangiectasia variant V1; Nijmegen breakage syndrome; Microcephaly with normal intelligence immunodeficiency and lymphoreticular malignancies; Nonsyndromal microcephaly autosomal recessive with normal intelligence; Seemanova syndrome 2; IMMUNODEFICIENCY, MICROCEPHALY, AND CHROMOSOMAL INSTABILITY. Identifiers: Orphanet 647, MedGen C0398791, MONDO:0009623, OMIM 251260.
Aplastic anemia. Identifiers: Orphanet 182040, Orphanet 88, MedGen C0002874, MONDO:0015909, OMIM 609135, HP:0001915.

Allele frequency attached by ClinVar (database versions not stated): gnomAD 0.00001; ExAC 0.00002; TOPMed 0.00002; gnomAD exomes 0.00005.
gnomAD v4.1: 10 of 1,613,704 alleles (0.00062%); highest among the groups gnomAD compares: East Asian, 0.018%; no homozygotes.

Submissions (10):

Labcorp Genetics (formerly Invitae), Labcorp
Classification: Uncertain significance for Microcephaly, normal intelligence and immunodeficiency. Last evaluated: 2025-12-24. Review status: criteria provided, single submitter. Criteria: Invitae Variant Classification Sherloc (09022015). Collection method: clinical testing. Allele origin: germline.
Comment: This sequence change replaces serine, which is neutral and polar, with arginine, which is basic and polar, at codon 341 of the NBN protein (p.Ser341Arg). This variant is present in population databases (rs756023239, gnomAD 0.07%). This missense change has been observed in individual(s) with NBN-related cancer (PMID: 32068069, 36346689). ClinVar contains an entry for this variant (Variation ID: 239182). An algorithm developed to predict the effect of missense changes on protein structure and function (PolyPhen-2) suggests that this variant is likely to be tolerated. In summary, the available evidence is currently insufficient to determine the role of this variant in disease. Therefore, it has been classified as a Variant of Uncertain Significance.

GeneDx
Classification: Uncertain significance. Last evaluated: 2024-06-11. Review status: criteria provided, single submitter. Criteria: GeneDx Variant Classification Process June 2021. Collection method: clinical testing. Allele origin: germline. Affected: yes.
Comment: In silico analysis indicates that this missense variant does not alter protein structure/function; Observed in controls but absent from cases in a case-control study of breast cancer (PMID: 30287823); This variant is associated with the following publications: (PMID: 36346689, 30287823)

Women's Health and Genetics/Laboratory Corporation of America, LabCorp
Classification: Uncertain significance. Last evaluated: 2023-10-24. Review status: criteria provided, single submitter. Criteria: LabCorp Variant Classification Summary - May 2015. Collection method: clinical testing. Allele origin: germline.
Comment: Variant summary: NBN c.1023C>G (p.Ser341Arg) results in a non-conservative amino acid change in the encoded protein sequence. Four of five in-silico tools predict a damaging effect of the variant on protein function. The variant allele was found at a frequency of 5e-05 in 262613 control chromosomes. c.1023C>G has been reported in the literature in individuals affected with breast cancer, epithelial ovarian cancer, or other unspecified cancer, without evidence of causality (e.g. Kwong_2020, Belhadj_2022, Yao_2022). These report(s) do not provide unequivocal conclusions about association of the variant with Nijmegen Breakage Syndrome. To our knowledge, no experimental evidence demonstrating an impact on protein function has been reported. The following publications have been ascertained in the context of this evaluation (PMID: 36346689, 32068069, 30287823, 35186721). Seven submitters have cited clinical-significance assessments for this variant to ClinVar after 2014, classifying the variant as uncertain significance (n=6) or likely benign (n=1). Based on the evidence outlined above, the variant was classified as uncertain significance.

Quest Diagnostics Nichols Institute San Juan Capistrano
Classification: Uncertain significance. Last evaluated: 2023-07-12. Review status: criteria provided, single submitter. Criteria: Quest Diagnostics criteria. Collection method: clinical testing. Allele origin: unknown.
Comment: In the published literature, this variant has been reported in individuals with breast cancer as well as unaffected individuals (PMID: 30287823 (2018), 33471991 (2021), see also LOVD). The frequency of this variant in the general population, 0.0007 (14/19954 chromosomes (Genome Aggregation Database)), is uninformative in the assessment of its pathogenicity. Analysis of this variant using bioinformatics tools for the prediction of the effect of amino acid changes on protein structure and function yielded conflicting predictions that this variant is benign or damaging. Based on the available information, we are unable to determine the clinical significance of this variant.

Ambry Genetics
Classification: Likely benign for Hereditary cancer-predisposing syndrome. Last evaluated: 2023-01-26. Review status: criteria provided, single submitter. Criteria: Ambry Variant Classification Scheme 2023. Collection method: clinical testing. Allele origin: germline.

Baylor Genetics
Classification: Uncertain significance for Aplastic anemia. Last evaluated: 2022-12-06. Review status: criteria provided, single submitter. Criteria: ACMG Guidelines, 2015. Collection method: clinical testing. Allele origin: unknown.

Genome-Nilou Lab
Classification: Uncertain significance for Microcephaly, normal intelligence and immunodeficiency. Last evaluated: 2021-11-07. Review status: criteria provided, single submitter. Criteria: ACMG Guidelines, 2015. Collection method: clinical testing. Allele origin: germline. Affected: no.

Genetic Services Laboratory, University of Chicago
Classification: Uncertain significance. Last evaluated: 2019-03-04. Review status: criteria provided, single submitter. Criteria: ACMG Guidelines, 2015. Collection method: clinical testing. Allele origin: germline. Affected: no.

Illumina Laboratory Services, Illumina
Classification: Uncertain significance for Microcephaly, normal intelligence and immunodeficiency. Last evaluated: 2018-01-13. Review status: criteria provided, single submitter. Criteria: ICSL Variant Classification Criteria 13 December 2019. Collection method: clinical testing. Allele origin: germline.

Natera, Inc.
Classification: Uncertain significance for Nijmegen breakage syndrome. Last evaluated: 2020-09-16. Review status: no assertion criteria provided. Collection method: clinical testing. Allele origin: germline. Not counted in ClinVar's aggregate classification.

Literature cited by the submitters: PubMed 32068069 (cited by Labcorp Genetics (formerly Invitae), Labcorp and Women's Health and Genetics/Laboratory Corporation of America, LabCorp); PubMed 36346689 (cited by Labcorp Genetics (formerly Invitae), Labcorp and Women's Health and Genetics/Laboratory Corporation of America, LabCorp); PubMed 30287823 (cited by 3 submitters); PubMed 35186721 (cited by Women's Health and Genetics/Laboratory Corporation of America, LabCorp); PubMed 33471991 (cited by Quest Diagnostics Nichols Institute San Juan Capistrano).

NM_002485.5(NBN):c.1023C>G (p.Ser341Arg)

Gene: NBN (nibrin; minus strand). Cytogenetic location: 8q21.3.
Variant type: single nucleotide variant.
Coding change: c.1023C>G on transcript NM_002485.5 (MANE Select); coding-DNA position 1023, C replaced by G.
Protein change: p.Ser341Arg; replaces serine 341 with arginine.
Molecular consequence: missense variant.
Genome position (GRCh38, 1-based): chr8:89,958,826, G>C on the plus strand (C>G on the coding strand, the complement: NBN is on the minus strand). VCF-style: chr8-89958826-G-C. GRCh37 (hg19) VCF-style: chr8-90971054-G-C.
Other names: c.777C>G, p.Ser259Arg (NM_001024688.3); short protein forms S341R, S259R.
Identifiers: ClinVar variation 239182 (VCV000239182.33), dbSNP rs756023239, ClinGen allele CA4802815.